The following is an entry in ClinVar:

NM_004168.4(SDHA):c.485G>A (p.Arg162Lys)

Gene: SDHA (succinate dehydrogenase complex flavoprotein subunit A; plus strand). Cytogenetic location: 5p15.33.
Variant type: single nucleotide variant.
Coding change: c.485G>A on transcript NM_004168.4 (MANE Select); coding-DNA position 485, G replaced by A.
Protein change: p.Arg162Lys; replaces arginine 162 with lysine.
Molecular consequence: missense variant.
Genome position (GRCh38, 1-based): chr5:225,911, G>A. VCF-style: chr5-225911-G-A. GRCh37 (hg19) VCF-style: chr5-226026-G-A.
Other names: c.341G>A, p.Arg114Lys (NM_001294332.2); c.485G>A, p.Arg162Lys (NM_001330758.2); short protein forms R114K, R162K.
Identifiers: ClinVar variation 3752632 (VCV003752632.2).
Genomic context (GRCh38, chr5:225,911, plus strand): 5'-TTAAGGTTTTTGTTTGTTTTTATCTTTCACAGCTAGAAAATTATGGCATGCCGTTTAGCA[G>A]AACTGAAGATGGGAAGATTTATCAGCGTGCATTTGGTGGACAGAGCCTCAAGTTTGGAAA-3'
Protein context (NP_004159.2, residues 152-172): ELENYGMPFS[Arg162Lys]TEDGKIYQRA

ClinVar aggregate classification (germline): Uncertain significance (1 of 4 stars; one submission).

Conditions:
Mitochondrial complex II deficiency, nuclear type 1. Also called: SUCCINATE CoQ REDUCTASE DEFICIENCY. Identifiers: Orphanet 3208, MedGen C5700310, MONDO:0100294, OMIM 252011.
Pheochromocytoma/paraganglioma syndrome 5. Also called: Paragangliomas 5; SDHA-Related Hereditary Paraganglioma-Pheochromocytoma Syndrome. Identifiers: Orphanet 29072, MedGen C3279992, MONDO:0013602, OMIM 614165.

Submission:

Labcorp Genetics (formerly Invitae), Labcorp
Classification: Uncertain significance for Pheochromocytoma/paraganglioma syndrome 5; Mitochondrial complex II deficiency, nuclear type 1. Last evaluated: 2024-09-27. Review status: criteria provided, single submitter. Criteria: Invitae Variant Classification Sherloc (09022015). Collection method: clinical testing. Allele origin: germline.
Comment: This sequence change replaces arginine, which is basic and polar, with lysine, which is basic and polar, at codon 162 of the SDHA protein (p.Arg162Lys). This variant is not present in population databases (gnomAD no frequency). This variant has not been reported in the literature in individuals affected with SDHA-related conditions. Invitae Evidence Modeling of protein sequence and biophysical properties (such as structural, functional, and spatial information, amino acid conservation, physicochemical variation, residue mobility, and thermodynamic stability) indicates that this missense variant is not expected to disrupt SDHA protein function with a negative predictive value of 95%. In summary, the available evidence is currently insufficient to determine the role of this variant in disease. Therefore, it has been classified as a Variant of Uncertain Significance.